The following is an entry in ClinVar:

NM_000135.4(FANCA):c.2039T>C (p.Ile680Thr)

Gene: FANCA (FA complementation group A; minus strand). Cytogenetic location: 16q24.3.
Variant type: single nucleotide variant.
Coding change: c.2039T>C on transcript NM_000135.4 (MANE Select); coding-DNA position 2039, T replaced by C.
Protein change: p.Ile680Thr; replaces isoleucine 680 with threonine.
Molecular consequence: missense variant.
Genome position (GRCh38, 1-based): chr16:89,771,790, A>G on the plus strand (T>C on the coding strand, the complement: FANCA is on the minus strand). VCF-style: chr16-89771790-A-G. GRCh37 (hg19) VCF-style: chr16-89838198-A-G.
Other names: c.2039T>C, p.Ile680Thr (NM_001286167.3); short protein forms I680T.
Identifiers: ClinVar variation 5003686 (VCV005003686.1).

ClinVar aggregate classification (germline): Uncertain significance (1 of 4 stars; one submission).

Conditions:
Fanconi anemia complementation group A (FANCA). Also called: Fanconi anemia, group A; FANCA-Related Fanconi Anemia. Identifiers: Orphanet 84, MedGen C3469521, MONDO:0009215, OMIM 227650.

gnomAD v4.1: 1 of 1,613,912 alleles (0.000062%); highest among the groups gnomAD compares: East Asian, 0.0022%; no homozygotes.

Submission:

Myriad Genetics, Inc.
Classification: Uncertain significance for Fanconi anemia complementation group A. Last evaluated: 2026-05-15. Review status: criteria provided, single submitter. Criteria: Myriad Autosomal Dominant, Autosomal Recessive and X-Linked Classification Criteria (2023). Collection method: clinical testing. Allele origin: unknown.
Comment: NM_000135.2(FANCA):c.2039T>C(I680T) is a missense variant classified as a variant of uncertain significance in the context of Fanconi anemia complementation group A. I680T has not been observed in cases with relevant disease. Relevant functional assessments of this variant are not available in the literature. I680T has not been observed in referenced population frequency databases. In summary, there is insufficient evidence to classify NM_000135.2(FANCA):c.2039T>C(I680T) as pathogenic or benign. Please note: this variant was assessed in the context of healthy population screening.